The following is an entry in ClinVar:

ClinVar aggregate classification (germline): Pathogenic (1 of 4 stars; one submission).

Conditions:
Cohen syndrome (COH1). Also called: PEPPER SYNDROME; Cutis verticis gyrata, retinitis pigmentosa, and sensorineural deafness. Identifiers: Orphanet 193, MedGen C0265223, MONDO:0008999, OMIM 216550.

Submission:

Labcorp Genetics (formerly Invitae), Labcorp
Classification: Pathogenic for Cohen syndrome. Last evaluated: 2022-10-14. Review status: criteria provided, single submitter. Criteria: Invitae Variant Classification Sherloc (09022015). Collection method: clinical testing. Allele origin: germline.
Comment: This variant is a gross deletion of the genomic region encompassing exon(s) 24-30 of the VPS13B gene. This deletion is out-of-frame, and is expected to create a premature termination codon and result in an absent or disrupted protein product. Loss-of-function variants in VPS13B are known to be pathogenic (PMID: 15141358, 16648375, 20461111). A similar copy number variant has been observed in individual(s) with clinical features of Cohen syndrome (PMID: 28631888). For these reasons, this variant has been classified as Pathogenic.

Literature cited by the submitters: PubMed 15141358; PubMed 16648375; PubMed 20461111; PubMed 28631888.

NC_000008.10:g.(?_100479622)_(100533258_?)del

Gene: VPS13B (vacuolar protein sorting 13 homolog B; plus strand). Cytogenetic location: 8q22.2.
Variant type: Deletion.
Identifiers: ClinVar variation 1076762 (VCV001076762.2).